The following is an entry in ClinVar:

NM_004655.4(AXIN2):c.1716C>T (p.Gly572=)

Gene: AXIN2 (axin 2; minus strand). Cytogenetic location: 17q24.1.
Variant type: single nucleotide variant.
Coding change: c.1716C>T on transcript NM_004655.4 (MANE Select); coding-DNA position 1716, C replaced by T.
Protein change: p.Gly572=; no amino-acid change (glycine 572 retained).
Molecular consequence: synonymous variant. On other transcripts: intron variant (1).
Genome position (GRCh38, 1-based): chr17:65,537,060, G>A on the plus strand (C>T on the coding strand, the complement: AXIN2 is on the minus strand). VCF-style: chr17-65537060-G-A. GRCh37 (hg19) VCF-style: chr17-63533178-G-A.
Other names: c.1712+264C>T (NM_001363813.1).
Identifiers: ClinVar variation 1778630 (VCV001778630.8), dbSNP rs2509409153, ClinGen allele CA501691233.

ClinVar aggregate classification (germline): Conflicting classifications of pathogenicity. Review status: criteria provided, conflicting classifications (1 of 4 stars). 3 submissions from 3 submitters: Uncertain significance (1); Benign (1); Likely benign (1). Last evaluated 2024-07-08.

Conditions:
Hereditary cancer-predisposing syndrome. Also called: Neoplastic Syndromes, Hereditary; Tumor predisposition; Hereditary Cancer Syndrome; Hereditary neoplastic syndrome. Identifiers: Orphanet 140162, MedGen C0027672, MeSH D009386, MONDO:0015356.
Oligodontia-cancer predisposition syndrome. Also called: TOOTH AGENESIS-COLORECTAL CANCER SYNDROME. Identifiers: Orphanet 300576, MedGen C1837750, MONDO:0012075, OMIM 608615. Disease mechanism: loss of function.

Submissions (3):

Myriad Genetics, Inc.
Classification: Benign for Oligodontia-cancer predisposition syndrome. Last evaluated: 2024-07-08. Review status: criteria provided, single submitter. Criteria: Myriad Autosomal Dominant, Autosomal Recessive and X-Linked Classification Criteria (2023). Collection method: clinical testing. Allele origin: unknown.
Comment: This variant is considered benign. This variant is a silent/synonymous amino acid change and it is not expected to impact splicing.

Labcorp Genetics (formerly Invitae), Labcorp
Classification: Likely benign for Oligodontia-cancer predisposition syndrome. Last evaluated: 2023-06-04. Review status: criteria provided, single submitter. Criteria: Invitae Variant Classification Sherloc (09022015). Collection method: clinical testing. Allele origin: germline.

Ambry Genetics
Classification: Uncertain significance for Hereditary cancer-predisposing syndrome. Last evaluated: 2021-03-07. Review status: criteria provided, single submitter. Criteria: Ambry Variant Classification Scheme 2023. Collection method: clinical testing. Allele origin: germline.
Comment: The c.1716C>T variant (also known as p.G572G), located in coding exon 6 of the AXIN2 gene, results from a C to T substitution at nucleotide position 1716. This nucleotide substitution does not change the glycine at codon 572. This nucleotide position is highly conserved in available vertebrate species. In silico splice site analysis for this alteration is inconclusive. Since supporting evidence is limited at this time, the clinical significance of this alteration remains unclear.